The following is an entry in ClinVar:

NM_019098.5(CNGB3):c.1370_1371del (p.Ala457fs)

Gene: CNGB3 (cyclic nucleotide gated channel subunit beta 3; minus strand). Cytogenetic location: 8q21.3.
Variant type: Deletion.
Coding change: c.1370_1371del on transcript NM_019098.5 (MANE Select); coding-DNA positions 1370 to 1371, 2 bases deleted (CC; older notation c.1370_1371delCC).
Protein change: p.Ala457fs; shifts the reading frame from alanine 457.
Molecular consequence: frameshift variant.
Genome position (GRCh38, 1-based): chr8:86,629,028-86,629,029, GG deleted on the plus strand (CC on the coding strand, the reverse complement: CNGB3 is on the minus strand). VCF-style (leftmost placement, unchanged base first): chr8-86629027-AGG-A. GRCh37 (hg19) VCF-style: chr8-87641255-AGG-A.
Other names: short protein forms A457fs.
Identifiers: ClinVar variation 1413944 (VCV001413944.6), dbSNP rs2131582838, ClinGen allele CA2573143405.

ClinVar aggregate classification (germline): Pathogenic (1 of 4 stars; one submission).

Submission:

Labcorp Genetics (formerly Invitae), Labcorp
Classification: Pathogenic. Last evaluated: 2022-07-25. Review status: criteria provided, single submitter. Criteria: Invitae Variant Classification Sherloc (09022015). Collection method: clinical testing. Allele origin: germline.
Comment: For these reasons, this variant has been classified as Pathogenic. ClinVar contains an entry for this variant (Variation ID: 1413944). This variant has not been reported in the literature in individuals affected with CNGB3-related conditions. This variant is not present in population databases (gnomAD no frequency). This sequence change creates a premature translational stop signal (p.Ala457Valfs*4) in the CNGB3 gene. It is expected to result in an absent or disrupted protein product. Loss-of-function variants in CNGB3 are known to be pathogenic (PMID: 28795510).

Literature cited by the submitters: PubMed 28795510.